The following is an entry in ClinVar:

ClinVar aggregate classification (germline): Uncertain significance (1 of 4 stars; one submission).

Conditions:
Cortical dysplasia-focal epilepsy syndrome (PTHSL1). Also called: Pitt-Hopkins-like syndrome 1. Identifiers: Orphanet 163681, Orphanet 221150, MedGen C2750246, MONDO:0012400, OMIM 610042.

Submission:

Labcorp Genetics (formerly Invitae), Labcorp
Classification: Uncertain significance for Cortical dysplasia-focal epilepsy syndrome. Last evaluated: 2025-07-14. Review status: criteria provided, single submitter. Criteria: Invitae Variant Classification Sherloc (09022015). Collection method: clinical testing. Allele origin: germline.
Comment: This sequence change replaces threonine, which is neutral and polar, with isoleucine, which is neutral and non-polar, at codon 315 of the CNTNAP2 protein (p.Thr315Ile). This variant is not present in population databases (gnomAD no frequency). This variant has not been reported in the literature in individuals affected with CNTNAP2-related conditions. ClinVar contains an entry for this variant (Variation ID: 1365210). An algorithm developed to predict the effect of missense changes on protein structure and function (PolyPhen-2) suggests that this variant is likely to be tolerated. In summary, the available evidence is currently insufficient to determine the role of this variant in disease. Therefore, it has been classified as a Variant of Uncertain Significance.

NM_014141.6(CNTNAP2):c.944C>T (p.Thr315Ile)

Gene: CNTNAP2 (contactin associated protein 2; plus strand). Cytogenetic location: 7q35.
Variant type: single nucleotide variant.
Coding change: c.944C>T on transcript NM_014141.6 (MANE Select); coding-DNA position 944, C replaced by T.
Protein change: p.Thr315Ile; replaces threonine 315 with isoleucine.
Molecular consequence: missense variant.
Genome position (GRCh38, 1-based): chr7:147,128,697, C>T. VCF-style: chr7-147128697-C-T. GRCh37 (hg19) VCF-style: chr7-146825789-C-T.
Other names: short protein forms T315I.
Identifiers: ClinVar variation 1365210 (VCV001365210.8), dbSNP rs2129284381, ClinGen allele CA369924130.